The following is an entry in ClinVar:

ClinVar aggregate classification (germline): Uncertain significance (1 of 4 stars; one submission).

Allele frequency attached by ClinVar (database versions not stated): gnomAD exomes below 0.00001.
gnomAD v4.1: 4 of 1,613,856 alleles (0.00025%); highest among the groups gnomAD compares: Admixed American, 0.0017%; no homozygotes.

Submission:

Labcorp Genetics (formerly Invitae), Labcorp
Classification: Uncertain significance. Last evaluated: 2023-04-25. Review status: criteria provided, single submitter. Criteria: Invitae Variant Classification Sherloc (09022015). Collection method: clinical testing. Allele origin: germline.
Comment: This variant is not present in population databases (gnomAD no frequency). This sequence change replaces serine, which is neutral and polar, with glycine, which is neutral and non-polar, at codon 518 of the FLNB protein (p.Ser518Gly). This variant has not been reported in the literature in individuals affected with FLNB-related conditions. In summary, the available evidence is currently insufficient to determine the role of this variant in disease. Therefore, it has been classified as a Variant of Uncertain Significance. Advanced modeling of protein sequence and biophysical properties (such as structural, functional, and spatial information, amino acid conservation, physicochemical variation, residue mobility, and thermodynamic stability) performed at Invitae indicates that this missense variant is not expected to disrupt FLNB protein function.

NM_001457.4(FLNB):c.1552A>G (p.Ser518Gly)

Gene: FLNB (filamin B; plus strand). Cytogenetic location: 3p14.3.
Variant type: single nucleotide variant.
Coding change: c.1552A>G on transcript NM_001457.4 (MANE Select); coding-DNA position 1552, A replaced by G.
Protein change: p.Ser518Gly; replaces serine 518 with glycine.
Molecular consequence: missense variant.
Genome position (GRCh38, 1-based): chr3:58,104,027, A>G. VCF-style: chr3-58104027-A-G. GRCh37 (hg19) VCF-style: chr3-58089754-A-G.
Other names: c.1552A>G, p.Ser518Gly (NM_001164317.2, NM_001164318.2, NM_001164319.2); short protein forms S518G.
Identifiers: ClinVar variation 2809515 (VCV002809515.3), dbSNP rs2471069697, ClinGen allele CA353338388.